The following is an entry in ClinVar:

ClinVar aggregate classification (germline): not provided (0 of 4 stars; one submission).

Submission:

ClinVar Staff, National Center for Biotechnology Information (NCBI)
No classification provided. Review status: no classification provided. Collection method: not provided. Allele origin: unknown.
Comment: Based on information supplied by Graeme Grimes.

NM_000278.5(PAX2):c.68del (p.Leu23fs)

Gene: PAX2 (paired box 2; plus strand). Cytogenetic location: 10q24.31.
Variant type: Deletion.
Coding change: c.68del on transcript NM_000278.5 (MANE Select); coding-DNA position 68, one base deleted (T; older notation c.68delT).
Protein change: p.Leu23fs; shifts the reading frame from leucine 23.
Molecular consequence: frameshift variant.
Genome position (GRCh38, 1-based): chr10:100,749,770, T deleted. VCF-style (leftmost placement, unchanged base first): chr10-100749769-CT-C. GRCh37 (hg19) VCF-style: chr10-102509526-CT-C.
Other names: c.161del, p.Leu54fs (NM_001304569.2); c.68del, p.Leu23fs (NM_003987.5, NM_003988.5, NM_003989.5 and 1 more transcripts); short protein forms L23fs, L54fs.
Identifiers: ClinVar variation 156295 (VCV000156295.1), dbSNP rs75999420, ClinGen allele CA233170.